The following is an entry in ClinVar:

NM_001014.5(RPS10):c.121C>A (p.Pro41Thr)

Genes: RPS10 (ribosomal protein S10; minus strand), RPS10-NUDT3 (RPS10-NUDT3 readthrough; minus strand). Cytogenetic location: 6p21.31.
Variant type: single nucleotide variant.
Coding change: c.121C>A on transcript NM_001014.5 (MANE Select); coding-DNA position 121, C replaced by A.
Protein change: p.Pro41Thr; replaces proline 41 with threonine.
Molecular consequence: missense variant.
Genome position (GRCh38, 1-based): chr6:34,425,101, G>T on the plus strand (C>A on the coding strand, the complement: RPS10 is on the minus strand). VCF-style: chr6-34425101-G-T. GRCh37 (hg19) VCF-style: chr6-34392878-G-T.
Other names: c.121C>A, p.Pro41Thr (NM_001202470.3, NM_001203245.3, NM_001204091.2); short protein forms P41T.
Identifiers: ClinVar variation 2726948 (VCV002726948.3), dbSNP rs1765910347, ClinGen allele CA363885429.
Genomic context (GRCh38, chr6:34,425,101, plus strand): 5'-ATCCATCCCATCTTCCTCCTCACCCTCCTACCTGCATGGCCTTCATGACATGAAGGTTGG[G>T]CACATTCTTGTCTGCCAGCTCCGGGTGCTTAGGCATGTGGACATCCTTCTTGGCCACCAT-3'
Protein context (NP_001005.1, residues 31-51): KHPELADKNV[Pro41Thr]NLHVMKAMQS

ClinVar aggregate classification (germline): Uncertain significance (1 of 4 stars; one submission).

Conditions:
Diamond-Blackfan anemia. Also called: Blackfan Diamond syndrome; Aregenerative anemia chronic congenital; Red cell aplasia, pure hereditary; Congenital hypoplastic anemia; Aase syndrome. Identifiers: Orphanet 124, MedGen C1260899, MeSH D029503, MONDO:0015253, HP:0004810.

Allele frequency attached by ClinVar (database versions not stated): TOPMed below 0.00001.
gnomAD v4.1: 1 of 1,612,600 alleles (0.000062%); highest among the groups gnomAD compares: Non-Finnish European, 0.000085%; no homozygotes.

Submission:

Labcorp Genetics (formerly Invitae), Labcorp
Classification: Uncertain significance for Diamond-Blackfan anemia. Last evaluated: 2023-01-30. Review status: criteria provided, single submitter. Criteria: Invitae Variant Classification Sherloc (09022015). Collection method: clinical testing. Allele origin: germline.
Comment: In summary, the available evidence is currently insufficient to determine the role of this variant in disease. Therefore, it has been classified as a Variant of Uncertain Significance. Algorithms developed to predict the effect of missense changes on protein structure and function are either unavailable or do not agree on the potential impact of this missense change (SIFT: "Deleterious"; PolyPhen-2: "Probably Damaging"; Align-GVGD: "Class C0"). This variant has not been reported in the literature in individuals affected with RPS10-related conditions. This variant is not present in population databases (gnomAD no frequency). This sequence change replaces proline, which is neutral and non-polar, with threonine, which is neutral and polar, at codon 41 of the RPS10 protein (p.Pro41Thr).